The following is an entry in ClinVar:

NM_005120.3(MED12):c.73T>C (p.Tyr25His)

Gene: MED12 (mediator complex subunit 12; plus strand). Cytogenetic location: Xq13.1.
Variant type: single nucleotide variant.
Coding change: c.73T>C on transcript NM_005120.3 (MANE Select); coding-DNA position 73, T replaced by C.
Protein change: p.Tyr25His; replaces tyrosine 25 with histidine.
Molecular consequence: missense variant.
Genome position (GRCh38, 1-based): chrX:71,118,827, T>C. VCF-style: chrX-71118827-T-C. GRCh37 (hg19) VCF-style: chrX-70338677-T-C.
Other names: short protein forms Y25H.
Identifiers: ClinVar variation 3367888 (VCV003367888.2).

ClinVar aggregate classification (germline): Uncertain significance (1 of 4 stars; one submission).

Submission:

GeneDx
Classification: Uncertain significance. Last evaluated: 2025-12-11. Review status: criteria provided, single submitter. Criteria: GeneDx Variant Classification Process June 2021. Collection method: clinical testing. Allele origin: germline.
Comment: Not observed at significant frequency in large population cohorts (gnomAD); In silico analysis supports that this missense variant has a deleterious effect on protein structure/function; Has not been previously published as pathogenic or benign to our knowledge